The following is an entry in ClinVar:

NM_003072.5(SMARCA4):c.884C>A (p.Pro295His)

Gene: SMARCA4 (SWI/SNF related BAF chromatin remodeling complex subunit ATPase 4; plus strand). Cytogenetic location: 19p13.2.
Variant type: single nucleotide variant.
Coding change: c.884C>A on transcript NM_003072.5 (MANE Select); coding-DNA position 884, C replaced by A.
Protein change: p.Pro295His; replaces proline 295 with histidine.
Molecular consequence: missense variant. On other transcripts: non-coding transcript variant (1).
Genome position (GRCh38, 1-based): chr19:10,987,690, C>A. VCF-style: chr19-10987690-C-A. GRCh37 (hg19) VCF-style: chr19-11098366-C-A.
Other names: c.884C>A, p.Pro295His (NM_001128844.3, NM_001128845.2, NM_001128846.2 and 6 more transcripts); short protein forms P295H.
Identifiers: ClinVar variation 1764867 (VCV001764867.4), dbSNP rs2145814260, ClinGen allele CA404058373.

ClinVar aggregate classification (germline): Uncertain significance. Review status: criteria provided, multiple submitters, no conflicts (2 of 4 stars). 2 submissions from 2 submitters: Uncertain significance (2). Last evaluated 2024-07-10.

Conditions:
Hereditary cancer-predisposing syndrome. Also called: Neoplastic Syndromes, Hereditary; Tumor predisposition; Hereditary Cancer Syndrome; Hereditary neoplastic syndrome. Identifiers: Orphanet 140162, MedGen C0027672, MeSH D009386, MONDO:0015356.
Rhabdoid tumor predisposition syndrome 2 (RTPS2). Identifiers: Orphanet 231108, Orphanet 69077, MedGen C2750074, MONDO:0013224, OMIM 613325.

Submissions (2):

Labcorp Genetics (formerly Invitae), Labcorp
Classification: Uncertain significance for Rhabdoid tumor predisposition syndrome 2. Last evaluated: 2024-07-10. Review status: criteria provided, single submitter. Criteria: Invitae Variant Classification Sherloc (09022015). Collection method: clinical testing. Allele origin: germline.
Comment: This sequence change replaces proline, which is neutral and non-polar, with histidine, which is basic and polar, at codon 295 of the SMARCA4 protein (p.Pro295His). This variant is not present in population databases (gnomAD no frequency). This variant has not been reported in the literature in individuals affected with SMARCA4-related conditions. ClinVar contains an entry for this variant (Variation ID: 1764867). Advanced modeling of protein sequence and biophysical properties (such as structural, functional, and spatial information, amino acid conservation, physicochemical variation, residue mobility, and thermodynamic stability) has been performed at Invitae for this missense variant, however the output from this modeling did not meet the statistical confidence thresholds required to predict the impact of this variant on SMARCA4 protein function. In summary, the available evidence is currently insufficient to determine the role of this variant in disease. Therefore, it has been classified as a Variant of Uncertain Significance.

Ambry Genetics
Classification: Uncertain significance for Hereditary cancer-predisposing syndrome. Last evaluated: 2021-08-16. Review status: criteria provided, single submitter. Criteria: Ambry Variant Classification Scheme 2023. Collection method: clinical testing. Allele origin: germline.
Comment: The p.P295H variant (also known as c.884C>A), located in coding exon 5 of the SMARCA4 gene, results from a C to A substitution at nucleotide position 884. The proline at codon 295 is replaced by histidine, an amino acid with similar properties. This amino acid position is highly conserved in available vertebrate species. In addition, the in silico prediction for this alteration is inconclusive. Missense and in-frame variants in SMARCA4 are known to cause neurodevelopmental disorders; however, such associations with rhabdoid tumor predisposition syndrome including small cell carcinoma of the ovary-hypercalcemic type (SCCOHT) are exceedingly rare (Kosho T et al. Am J Med Genet C Semin Med Genet. 2014 Sep;166C(3):262-75; Jelinic P et al. Nat Genet. 2014 May;46(5):424-6). Since supporting evidence is limited at this time, the clinical significance of this alteration remains unclear.